The following is an entry in ClinVar:

ClinVar aggregate classification (germline): Likely pathogenic. Review status: criteria provided, single submitter (1 of 4 stars). 2 submissions from 2 submitters: Likely pathogenic (1). 1 of the submissions does not count toward it. Last evaluated 2024-12-11.

Conditions:
Neuromuscular disease. Also called: Neuromyopathy; Neuromuscular disorder. Identifiers: Orphanet 68381, MedGen C0027868, MeSH D009468, MONDO:0019056.
Multiple mitochondrial dysfunctions syndrome 10. Identifiers: MedGen C5975413, MONDO:0975806, OMIM 620960.

gnomAD v4.1: 53 of 1,614,124 alleles (0.0033%); highest among the groups gnomAD compares: African/African-American, 0.0053%; no homozygotes.

Submissions (2):

Broad Center for Mendelian Genomics, Broad Institute of MIT and Harvard
Classification: Likely pathogenic for Neuromuscular disease. Last evaluated: 2024-12-11. Review status: criteria provided, single submitter. Criteria: ACMG Guidelines, 2015. Collection method: curation. Allele origin: germline. Inheritance: Autosomal recessive inheritance. Study: GREGoR Consortium.
Comment: This phase of these variants are unknown at this time. The p.His302Pro variant in CIAO1 has been reported in 2 additional unrelated individuals with neuromuscular disease (PMID: 38411040, 38196629), and has been identified in 0.005% (4/74946) of African/African American chromosomes by the Genome Aggregation Database (gnomAD; dbSNP rs756234455). Although this variant has been seen in the general population in a heterozygous state, its frequency is low enough to be consistent with a recessive carrier frequency. This variant has also been reported in ClinVar (Variation ID: 3341096) and has been interpreted as pathogenic by OMIM. Of the 2 affected individuals, one was a homozygote, which increases the likelihood that the p.His302Pro variant is pathogenic (PMID: 38950322). In vitro functional studies provide some evidence that the {AminoAcidChange} variant may impact protein function (PMID: 38950322). However, these types of assays may not accurately represent biological function. Computational prediction tools and conservation analyses suggest that this variant may impact the protein, though this information is not predictive enough to determine pathogenicity. Furthermore, although this gene has been reported in association with neuromuscular disease, it currently has moderate evidence for these associations. In summary, although additional studies are required to fully establish its clinical significance, this variant is likely pathogenic for autosomal recessive neuromuscular disease. ACMG/AMP Criteria applied: PP3_moderate, PS3_moderate, PM2_supporting, PM3_supporting (Richards 2015).

OMIM
Classification: Pathogenic for MULTIPLE MITOCHONDRIAL DYSFUNCTIONS SYNDROME 10. Last evaluated: 2024-09-25. Review status: no assertion criteria provided. Collection method: literature only. Allele origin: germline. Not counted in ClinVar's aggregate classification.

Literature cited by the submitters: PubMed 38950322 (cited by OMIM).

NM_004804.3(CIAO1):c.905A>C (p.His302Pro)

Gene: CIAO1 (cytosolic iron-sulfur assembly component 1; plus strand). Cytogenetic location: 2q11.2.
Variant type: single nucleotide variant.
Coding change: c.905A>C on transcript NM_004804.3 (MANE Select); coding-DNA position 905, A replaced by C.
Protein change: p.His302Pro; replaces histidine 302 with proline.
Molecular consequence: missense variant.
Genome position (GRCh38, 1-based): chr2:96,271,236, A>C. VCF-style: chr2-96271236-A-C. GRCh37 (hg19) VCF-style: chr2-96936974-A-C.
Other names: short protein forms H302P.
Identifiers: ClinVar variation 3341096 (VCV003341096.2).